The following is an entry in ClinVar:

NM_001048174.2(MUTYH):c.1402G>T (p.Val468Leu)

Gene: MUTYH (mutY DNA glycosylase; minus strand). Cytogenetic location: 1p34.1.
Variant type: single nucleotide variant.
Coding change: c.1402G>T on transcript NM_001048174.2 (MANE Select); coding-DNA position 1402, G replaced by T.
Protein change: p.Val468Leu; replaces valine 468 with leucine.
Molecular consequence: missense variant. On other transcripts: non-coding transcript variant (7).
Genome position (GRCh38, 1-based): chr1:45,330,548, C>A on the plus strand (G>T on the coding strand, the complement: MUTYH is on the minus strand). VCF-style: chr1-45330548-C-A. GRCh37 (hg19) VCF-style: chr1-45796220-C-A.
Other names: c.1057G>T, p.Val353Leu (NM_001407082.1, NM_001350651.2, NM_001350650.2); c.1444G>T, p.Val482Leu (NM_001407083.1, NM_001407085.1); c.1405G>T, p.Val469Leu (NM_001407086.1, NM_001407071.1, NM_001407078.1 and 1 more transcripts); c.1423G>T, p.Val475Leu (NM_001407087.1); c.1402G>T, p.Val468Leu (NM_001407088.1, NM_001407089.1, NM_001407070.1 and 6 more transcripts); c.1435G>T, p.Val479Leu (NM_001407069.1, NM_001407077.1, NM_001293191.2); c.1318G>T, p.Val440Leu (NM_001407075.1); c.1126G>T, p.Val376Leu (NM_001407091.1, NM_001293192.2, NM_001293196.2); and 5 more; short protein forms V376L, V493L, V353L, V454L, V455L, V483L, V440L, V475L.
Identifiers: ClinVar variation 4113273 (VCV004113273.1).

ClinVar aggregate classification (germline): Uncertain significance (1 of 4 stars; one submission).

Conditions:
Hereditary cancer-predisposing syndrome. Also called: Tumor predisposition; Neoplastic Syndromes, Hereditary; Hereditary neoplastic syndrome; Hereditary Cancer Syndrome. Identifiers: Orphanet 140162, MedGen C0027672, MeSH D009386, MONDO:0015356.

Submission:

Ambry Genetics
Classification: Uncertain significance for Hereditary cancer-predisposing syndrome. Last evaluated: 2025-08-27. Review status: criteria provided, single submitter. Criteria: Ambry Variant Classification Scheme 2023. Collection method: clinical testing. Allele origin: germline.
Comment: The p.V496L variant (also known as c.1486G>T), located in coding exon 15 of the MUTYH gene, results from a G to T substitution at nucleotide position 1486. The valine at codon 496 is replaced by leucine, an amino acid with highly similar properties. This amino acid position is conserved. In addition, this alteration is predicted to be tolerated by in silico analysis. Based on the available evidence, the clinical significance of this variant remains unclear.